The following is an entry in ClinVar:

ClinVar aggregate classification (germline): Pathogenic (1 of 4 stars; one submission).

Submission:

Labcorp Genetics (formerly Invitae), Labcorp
Classification: Pathogenic. Last evaluated: 2024-05-25. Review status: criteria provided, single submitter. Criteria: Invitae Variant Classification Sherloc (09022015). Collection method: clinical testing. Allele origin: germline.
Comment: This sequence change creates a premature translational stop signal (p.Leu2772Trpfs*70) in the ZNF469 gene. While this is not anticipated to result in nonsense mediated decay, it is expected to disrupt the last 1154 amino acid(s) of the ZNF469 protein. This variant is not present in population databases (gnomAD no frequency). This variant has not been reported in the literature in individuals affected with ZNF469-related conditions. This variant disrupts a region of the ZNF469 protein in which other variant(s) (p.Pro3556Glnfs*136) have been determined to be pathogenic (PMID: 32671420). This suggests that this is a clinically significant region of the protein, and that variants that disrupt it are likely to be disease-causing. For these reasons, this variant has been classified as Pathogenic.

Literature cited by the submitters: PubMed 32671420.

NM_001367624.2(ZNF469):c.8398del (p.Leu2800fs)

Gene: ZNF469 (zinc finger protein 469; plus strand). Cytogenetic location: 16q24.2.
Variant type: Deletion.
Coding change: c.8398del on transcript NM_001367624.2 (MANE Select); coding-DNA position 8398, one base deleted (C; older notation c.8398delC).
Protein change: p.Leu2800fs; shifts the reading frame from leucine 2800.
Molecular consequence: frameshift variant.
Genome position (GRCh38, 1-based): chr16:88,435,868, C deleted; the last of 5 consecutive C bases (chr16:88,435,864-88,435,868); deleting any one gives the same sequence. VCF-style (leftmost placement, unchanged base first): chr16-88435863-GC-G. GRCh37 (hg19) VCF-style: chr16-88502271-GC-G.
Other names: short protein forms L2800fs.
Identifiers: ClinVar variation 3654539 (VCV003654539.2).